The following is an entry in ClinVar:

NM_004006.3(DMD):c.378dup (p.Ile127fs)

Gene: DMD (dystrophin; minus strand). Cytogenetic location: Xp21.1.
Variant type: Duplication.
Coding change: c.378dup on transcript NM_004006.3 (MANE Select); coding-DNA position 378, one base duplicated (T; older notation c.378dupT).
Protein change: p.Ile127fs; shifts the reading frame from isoleucine 127.
Molecular consequence: frameshift variant.
Genome position (GRCh38, 1-based): chrX:32,816,620, A duplicated on the plus strand (T on the coding strand, the reverse complement: DMD is on the minus strand). VCF-style (leftmost placement, unchanged base first): chrX-32816619-T-TA. GRCh37 (hg19) VCF-style: chrX-32834736-T-TA.
Other names: c.354dup, p.Ile119fs (NM_000109.4); c.366dup, p.Ile123fs (NM_004009.3); c.9dup, p.Ile4fs (NM_004010.3); short protein forms I119fs, I123fs, I127fs, I4fs.
Identifiers: ClinVar variation 3341341 (VCV003341341.1).

ClinVar aggregate classification (germline): Likely pathogenic (1 of 4 stars; one submission).

Conditions:
Duchenne muscular dystrophy (DMD). Also called: Duchenne Muscular Dystrophy (DMD); MUSCULAR DYSTROPHY, PSEUDOHYPERTROPHIC PROGRESSIVE, DUCHENNE TYPE. Identifiers: Orphanet 98896, MedGen C0013264, MONDO:0010679, OMIM 310200.

Submission:

Neuberg Centre For Genomic Medicine, NCGM
Classification: Likely pathogenic for Duchenne muscular dystrophy. Last evaluated: 2023-05-20. Review status: criteria provided, single submitter. Criteria: ACMG Guidelines, 2015. Collection method: clinical testing. Allele origin: germline. Inheritance: X-linked recessive inheritance. Affected: yes.
Comment: The frameshift variant c.378dup (p.Ile127TyrfsTer11) in the DMD gene has not been reported previously as a pathogenic variant nor as a benign variant, to our knowledge. The variant is absent in the gnomAD Exomes. This variant causes a frameshift starting with codon Isoleucine 127, changes this amino acid to Tyrosine residue, and creates a premature Stop codon at position 11 of the new reading frame. This variant is predicted to cause a loss of normal protein function through protein truncation. Loss of function variants has been previously reported to be disease causing (Wang et al., 2019). For these reasons, this variant has been classified as Likely Pathogenic.